The following is an entry in ClinVar:

NM_012258.4(HEY1):c.468G>T (p.Ser156=)

Genes: HEY1 (hes related family bHLH transcription factor with YRPW motif 1; minus strand), LOC130000635 (ATAC-STARR-seq lymphoblastoid active region 27549; plus strand). Cytogenetic location: 8q21.13.
Variant type: single nucleotide variant.
Coding change: c.468G>T on transcript NM_012258.4 (MANE Select); coding-DNA position 468, G replaced by T.
Protein change: p.Ser156=; no amino-acid change (serine 156 retained).
Molecular consequence: synonymous variant.
Genome position (GRCh38, 1-based): chr8:79,765,635, C>A on the plus strand (G>T on the coding strand, the complement: HEY1 is on the minus strand). VCF-style: chr8-79765635-C-A. GRCh37 (hg19) VCF-style: chr8-80677870-C-A.
Other names: c.480G>T, p.Ser160= (NM_001040708.2); c.198G>T, p.Ser66= (NM_001282851.2).
Identifiers: ClinVar variation 3771272 (VCV003771272.13).

ClinVar aggregate classification (germline): Likely benign (1 of 4 stars; one submission).

gnomAD v4.1: 324 of 1,614,230 alleles (0.02%); highest among the groups gnomAD compares: South Asian, 0.35%; 5 homozygotes.

Submission:

CeGaT Center for Human Genetics Tuebingen
Classification: Likely benign. Last evaluated: 2025-01-01. Review status: criteria provided, single submitter. Criteria: CeGaT Center For Human Genetics Tuebingen Variant Classification Criteria Version 2. Collection method: clinical testing. Allele origin: germline. Affected: yes. Observed: 1 variant allele.
Comment: HEY1: BP4, BP7